The following is an entry in ClinVar:

NM_000094.4(COL7A1):c.2902T>C (p.Ser968Pro)

Gene: COL7A1 (collagen type VII alpha 1 chain; minus strand). Cytogenetic location: 3p21.31.
Variant type: single nucleotide variant.
Coding change: c.2902T>C on transcript NM_000094.4 (MANE Select); coding-DNA position 2902, T replaced by C.
Protein change: p.Ser968Pro; replaces serine 968 with proline.
Molecular consequence: missense variant.
Genome position (GRCh38, 1-based): chr3:48,587,510, A>G on the plus strand (T>C on the coding strand, the complement: COL7A1 is on the minus strand). VCF-style: chr3-48587510-A-G. GRCh37 (hg19) VCF-style: chr3-48624943-A-G.
Other names: short protein forms S968P.
Identifiers: ClinVar variation 3714017 (VCV003714017.3).

ClinVar aggregate classification (germline): Uncertain significance. Review status: criteria provided, multiple submitters, no conflicts (2 of 4 stars). 2 submissions from 2 submitters: Uncertain significance (2). Last evaluated 2024-12-11.

Conditions:
Inborn genetic diseases. Identifiers: MedGen C0950123, MeSH D030342.

gnomAD v4.1: 49 of 1,613,346 alleles (0.003%); highest among the groups gnomAD compares: Non-Finnish European, 0.0039%; no homozygotes.

Submissions (2):

Ambry Genetics
Classification: Uncertain significance for Inborn genetic diseases. Last evaluated: 2024-12-11. Review status: criteria provided, single submitter. Criteria: Ambry Variant Classification Scheme 2023. Collection method: clinical testing. Allele origin: germline.

Labcorp Genetics (formerly Invitae), Labcorp
Classification: Uncertain significance. Last evaluated: 2024-07-29. Review status: criteria provided, single submitter. Criteria: Invitae Variant Classification Sherloc (09022015). Collection method: clinical testing. Allele origin: germline.
Comment: This sequence change replaces serine, which is neutral and polar, with proline, which is neutral and non-polar, at codon 968 of the COL7A1 protein (p.Ser968Pro). This variant is present in population databases (rs200150258, gnomAD 0.002%). This variant has not been reported in the literature in individuals affected with COL7A1-related conditions. Advanced modeling of protein sequence and biophysical properties (such as structural, functional, and spatial information, amino acid conservation, physicochemical variation, residue mobility, and thermodynamic stability) performed at Invitae indicates that this missense variant is not expected to disrupt COL7A1 protein function with a negative predictive value of 95%. In summary, the available evidence is currently insufficient to determine the role of this variant in disease. Therefore, it has been classified as a Variant of Uncertain Significance.